The following is an entry in ClinVar:

NM_001130987.2(DYSF):c.5041del (p.Asp1681fs)

Gene: DYSF (dysferlin; plus strand). Cytogenetic location: 2p13.2.
Variant type: Deletion.
Coding change: c.5041del on transcript NM_001130987.2 (MANE Select); coding-DNA position 5041, one base deleted (G; older notation c.5041delG).
Protein change: p.Asp1681fs; shifts the reading frame from aspartic acid 1681.
Molecular consequence: frameshift variant.
Genome position (GRCh38, 1-based): chr2:71,664,305, G deleted; the last of 2 consecutive G bases (chr2:71,664,304-71,664,305); deleting either gives the same sequence. VCF-style (leftmost placement, unchanged base first): chr2-71664303-AG-A. GRCh37 (hg19) VCF-style: chr2-71891433-AG-A.
Other names: c.4927del, p.Asp1643fs (NM_001130455.2); c.4882del, p.Asp1628fs (NM_001130976.2); c.4945del, p.Asp1649fs (NM_001130977.2); c.4987del, p.Asp1663fs (NM_001130978.2); c.5017del, p.Asp1673fs (NM_001130979.2); c.4975del, p.Asp1659fs (NM_001130980.2); c.5038del, p.Asp1680fs (NM_001130981.2); c.5020del, p.Asp1674fs (NM_001130982.2); and 5 more; short protein forms D1628fs, D1629fs, D1642fs, D1643fs, D1649fs, D1650fs, D1659fs, D1660fs.
Identifiers: ClinVar variation 5015314 (VCV005015314.1).

ClinVar aggregate classification (germline): Pathogenic (1 of 4 stars; one submission).

Conditions:
Autosomal recessive limb-girdle muscular dystrophy. Identifiers: Orphanet 102015, MedGen C2931907, MONDO:0015152.

Submission:

Myriad Genetics, Inc.
Classification: Pathogenic for Autosomal recessive limb-girdle muscular dystrophy. Last evaluated: 2025-12-13. Review status: criteria provided, single submitter. Criteria: Myriad Autosomal Dominant, Autosomal Recessive and X-Linked Classification Criteria (2023). Collection method: clinical testing. Allele origin: unknown.
Comment: NM_003494.3(DYSF):c.4924delG(D1642Tfs*2) is expected to be pathogenic in the context of dysferlinopathy. This variant is predicted to lead to an abnormal or absent protein product due to the creation of a premature termination codon in DYSF, a gene where loss-of-function variants are known to be pathogenic. Please note: this variant was assessed in the context of healthy population screening.